The following is an entry in ClinVar:

NM_004836.7(EIF2AK3):c.928A>T (p.Ile310Leu)

Gene: EIF2AK3 (eukaryotic translation initiation factor 2 alpha kinase 3; minus strand). Cytogenetic location: 2p11.2.
Variant type: single nucleotide variant.
Coding change: c.928A>T on transcript NM_004836.7 (MANE Select); coding-DNA position 928, A replaced by T.
Protein change: p.Ile310Leu; replaces isoleucine 310 with leucine.
Molecular consequence: missense variant.
Genome position (GRCh38, 1-based): chr2:88,590,892, T>A on the plus strand (A>T on the coding strand, the complement: EIF2AK3 is on the minus strand). VCF-style: chr2-88590892-T-A. GRCh37 (hg19) VCF-style: chr2-88890410-T-A.
Other names: c.475A>T, p.Ile159Leu (NM_001313915.2); c.928A>T (NM_004836.6); short protein forms I310L, I159L.
Identifiers: ClinVar variation 435049 (VCV000435049.19), dbSNP rs191277311, ClinGen allele CA1754809.

ClinVar aggregate classification (germline): Uncertain significance. Review status: criteria provided, multiple submitters, no conflicts (2 of 4 stars). 8 submissions from 8 submitters: Uncertain significance (7). 1 of the submissions does not count toward it. Last evaluated 2024-09-18.

Conditions:
Monogenic diabetes. Identifiers: Orphanet 183625, MedGen C3888631, MONDO:0015967.
EIF2AK3-related disorder. Also called: EIF2AK3-related condition.
Wolcott-Rallison dysplasia. Also called: MED-IDDM SYNDROME; Wolcott-Rallison syndrome. Identifiers: Orphanet 1667, MedGen C0432217, MONDO:0009192, OMIM 226980.

Allele frequency attached by ClinVar (database versions not stated): gnomAD exomes 0.00002 and 0.00012; ExAC 0.00006; gnomAD 0.00010; TOPMed 0.00013; 1000 Genomes Project 30x 0.00047; 1000 Genomes Project 0.00060.
gnomAD v4.1: 103 of 1,614,106 alleles (0.0064%); highest among the groups gnomAD compares: East Asian, 0.078%; 3 homozygotes.

Submissions (8):

Blueprint Genetics
Classification: Uncertain significance. Last evaluated: 2024-09-18. Review status: criteria provided, single submitter. Criteria: ACMG Guidelines, 2015. Collection method: clinical testing. Allele origin: germline.

New York Genome Center
Classification: Uncertain significance for Wolcott-Rallison dysplasia. Last evaluated: 2022-10-26. Review status: criteria provided, single submitter. Criteria: NYGC Assertion Criteria 2020. Collection method: clinical testing. Allele origin: germline. Observed: 1 heterozygote.

Labcorp Genetics (formerly Invitae), Labcorp
Classification: Uncertain significance. Last evaluated: 2022-10-25. Review status: criteria provided, single submitter. Criteria: Invitae Variant Classification Sherloc (09022015). Collection method: clinical testing. Allele origin: germline.
Comment: This sequence change replaces isoleucine, which is neutral and non-polar, with leucine, which is neutral and non-polar, at codon 310 of the EIF2AK3 protein (p.Ile310Leu). This variant is present in population databases (rs191277311, gnomAD 0.1%). This variant has not been reported in the literature in individuals affected with EIF2AK3-related conditions. ClinVar contains an entry for this variant (Variation ID: 435049). Algorithms developed to predict the effect of missense changes on protein structure and function (SIFT, PolyPhen-2, Align-GVGD) all suggest that this variant is likely to be tolerated. In summary, the available evidence is currently insufficient to determine the role of this variant in disease. Therefore, it has been classified as a Variant of Uncertain Significance.

Fulgent Genetics
Classification: Uncertain significance for Wolcott-Rallison dysplasia. Last evaluated: 2022-01-25. Review status: criteria provided, single submitter. Criteria: ACMG Guidelines, 2015. Collection method: clinical testing. Allele origin: unknown.

Personalized Diabetes Medicine Program, University of Maryland School of Medicine
Classification: Uncertain significance for Monogenic diabetes. Last evaluated: 2018-10-26. Review status: criteria provided, single submitter. Criteria: ACMG Guidelines, 2015. Collection method: research. Allele origin: unknown. Observed: 1 variant allele, 1 heterozygote.
Comment: ACMG criteria: BP5 = VUS;REVEL 0.189 + PP3/6 predictors + BP4/4 predictors= conflicting evidence, not using

Illumina Laboratory Services, Illumina
Classification: Uncertain significance for Wolcott-Rallison dysplasia. Last evaluated: 2018-01-13. Review status: criteria provided, single submitter. Criteria: ICSL Variant Classification Criteria 13 December 2019. Collection method: clinical testing. Allele origin: germline.

Genetic Services Laboratory, University of Chicago
Classification: Uncertain significance. Last evaluated: 2016-03-10. Review status: criteria provided, single submitter. Criteria: ACMG Guidelines, 2015. Collection method: clinical testing. Allele origin: germline. Affected: no.

PreventionGenetics, part of Exact Sciences
Classification: Uncertain significance for EIF2AK3-related condition. Last evaluated: 2024-02-21. Review status: no assertion criteria provided. Collection method: clinical testing. Allele origin: germline. Not counted in ClinVar's aggregate classification.
Comment: The EIF2AK3 c.928A>T variant is predicted to result in the amino acid substitution p.Ile310Leu. To our knowledge, this variant has not been reported in the literature. This variant is reported in 0.12% of alleles in individuals of East Asian descent in gnomAD. At this time, the clinical significance of this variant is uncertain due to the absence of conclusive functional and genetic evidence.